The following is an entry in ClinVar:

NM_001735.3(C5):c.1021G>A (p.Glu341Lys)

Gene: C5 (complement C5; minus strand). Cytogenetic location: 9q33.2.
Variant type: single nucleotide variant.
Coding change: c.1021G>A on transcript NM_001735.3 (MANE Select); coding-DNA position 1021, G replaced by A.
Protein change: p.Glu341Lys; replaces glutamic acid 341 with lysine.
Molecular consequence: missense variant.
Genome position (GRCh38, 1-based): chr9:121,023,499, C>T on the plus strand (G>A on the coding strand, the complement: C5 is on the minus strand). VCF-style: chr9-121023499-C-T. GRCh37 (hg19) VCF-style: chr9-123785777-C-T.
Other names: c.1021G>A (NM_001735.2); c.1039G>A, p.Glu347Lys (NM_001317163.2); c.1021G>A, p.Glu341Lys (NM_001317164.2); short protein forms E347K, E341K.
Identifiers: ClinVar variation 1482875 (VCV001482875.7), dbSNP rs2047385294, ClinGen allele CA374754358.

ClinVar aggregate classification (germline): Uncertain significance. Review status: criteria provided, multiple submitters, no conflicts (2 of 4 stars). 2 submissions from 2 submitters: Uncertain significance (2). Last evaluated 2024-11-08.

gnomAD v4.1: 1 of 1,612,560 alleles (0.000062%); no homozygotes.

Submissions (2):

Ambry Genetics
Classification: Uncertain significance. Last evaluated: 2024-11-08. Review status: criteria provided, single submitter. Criteria: Ambry Variant Classification Scheme 2023. Collection method: clinical testing. Allele origin: germline.

Labcorp Genetics (formerly Invitae), Labcorp
Classification: Uncertain significance. Last evaluated: 2022-10-17. Review status: criteria provided, single submitter. Criteria: Invitae Variant Classification Sherloc (09022015). Collection method: clinical testing. Allele origin: germline.
Comment: This sequence change replaces glutamic acid, which is acidic and polar, with lysine, which is basic and polar, at codon 341 of the C5 protein (p.Glu341Lys). This variant is not present in population databases (gnomAD no frequency). This variant has not been reported in the literature in individuals affected with C5-related conditions. ClinVar contains an entry for this variant (Variation ID: 1482875). Advanced modeling of protein sequence and biophysical properties (such as structural, functional, and spatial information, amino acid conservation, physicochemical variation, residue mobility, and thermodynamic stability) performed at Invitae indicates that this missense variant is not expected to disrupt C5 protein function. In summary, the available evidence is currently insufficient to determine the role of this variant in disease. Therefore, it has been classified as a Variant of Uncertain Significance.